The following is an entry in ClinVar:

NM_000441.2(SLC26A4):c.2190G>T (p.Gln730His)

Genes: SLC26A4 (solute carrier family 26 member 4; plus strand), LOC123956210 (Sharpr-MPRA regulatory region 3291; plus strand). Cytogenetic location: 7q22.3.
Variant type: single nucleotide variant.
Coding change: c.2190G>T on transcript NM_000441.2 (MANE Select); coding-DNA position 2190, G replaced by T.
Protein change: p.Gln730His; replaces glutamine 730 with histidine.
Molecular consequence: missense variant.
Genome position (GRCh38, 1-based): chr7:107,710,154, G>T. VCF-style: chr7-107710154-G-T. GRCh37 (hg19) VCF-style: chr7-107350599-G-T.
Other names: short protein forms Q730H.
Identifiers: ClinVar variation 43543 (VCV000043543.31), dbSNP rs142723249, ClinGen allele CA132707.

ClinVar aggregate classification (germline): Benign/Likely benign. Review status: criteria provided, multiple submitters, no conflicts (2 of 4 stars). 12 submissions from 11 submitters: Benign (1); Likely benign (9). 2 of the submissions do not count toward it. Last evaluated 2026-01-20.

Conditions:
SLC26A4-related disorder. Also called: SLC26A4-related disorders; SLC26A4-related condition.
Autosomal recessive nonsyndromic hearing loss 4 (DFNB4). Also called: Deafness, autosomal recessive 4, with enlarged vestibular aqueduct; Enlarged vestibular aqueduct, digenic; Nonsyndromic enlarged vestibular aqueduct (NSEVA); FOXI1-Related Pendred Syndrome; KCNJ10-Related Pendred Syndrome; DEAFNESS, AUTOSOMAL RECESSIVE 4, WITH ENLARGED VESTIBULAR AQUEDUCT, DIGENIC. Identifiers: Orphanet 90636, MedGen C3538946, MONDO:0010933, OMIM 600791.
Pendred syndrome (PDS). Also called: Pendred's syndrome; THYROID DYSHORMONOGENESIS 2B; THYROID HORMONOGENESIS, GENETIC DEFECT IN, 2B; Pendred Syndrome (PDS); DEAFNESS WITH GOITER; GOITER-DEAFNESS SYNDROME. Identifiers: Orphanet 705, MedGen C0271829, MONDO:0010134, OMIM 274600.

Allele frequency attached by ClinVar (database versions not stated): ESP Exome Variant Server 0.00092; gnomAD 0.00092 and 0.00089; TOPMed 0.00110; 1000 Genomes Project 0.00160; 1000 Genomes Project 30x 0.00203; ExAC 0.00037; gnomAD exomes 0.00010 and 0.00031.
gnomAD v4.1: 299 of 1,609,284 alleles (0.019%); highest among the groups gnomAD compares: African/African-American, 0.32%; no homozygotes.

Submissions (12):

Labcorp Genetics (formerly Invitae), Labcorp
Classification: Likely benign. Last evaluated: 2026-01-20. Review status: criteria provided, single submitter. Criteria: Invitae Variant Classification Sherloc (09022015). Collection method: clinical testing. Allele origin: germline.

Blueprint Genetics
Classification: Likely benign. Last evaluated: 2024-11-04. Review status: criteria provided, single submitter. Criteria: ACMG Guidelines, 2015. Collection method: clinical testing. Allele origin: germline.

PreventionGenetics, part of Exact Sciences
Classification: Likely benign for SLC26A4-related condition. Last evaluated: 2024-11-01. Review status: criteria provided, single submitter. Criteria: ACMG Guidelines, 2015. Collection method: clinical testing. Allele origin: germline.
Comment: This variant is classified as likely benign based on ACMG/AMP sequence variant interpretation guidelines (Richards et al. 2015 PMID: 25741868, with internal and published modifications).

Women's Health and Genetics/Laboratory Corporation of America, LabCorp
Classification: Likely benign. Last evaluated: 2024-10-08. Review status: criteria provided, single submitter. Criteria: LabCorp Variant Classification Summary - May 2015. Collection method: clinical testing. Allele origin: germline.
Comment: Variant summary: SLC26A4 c.2190G>T (p.Gln730His) results in a non-conservative amino acid change in the encoded protein sequence. Three of five in-silico tools predict a damaging effect of the variant on protein function. The variant allele was found at a frequency of 0.00031 in 251294 control chromosomes, predominantly at a frequency of 0.0038 within the African or African-American subpopulation in the gnomAD database, including 1 homozygotes. The observed variant frequency within African or African-American control individuals in the gnomAD database is approximately 1.075 fold of the estimated maximal expected allele frequency for a pathogenic variant in SLC26A4 causing Pendred Syndrome phenotype (0.0035). c.2190G>T has been reported in the literature in the heterozygous state in at least one individual affected with hearing impairment (Landa_20113). These report(s) do not provide unequivocal conclusions about association of the variant with Pendred Syndrome. To our knowledge, no experimental evidence demonstrating an impact on protein function has been reported. The following publication have been ascertained in the context of this evaluation (PMID: 23965030). ClinVar contains an entry for this variant (Variation ID: 43543). Based on the evidence outlined above, the variant was classified as likely benign.

Genome-Nilou Lab
Classification: Likely benign for Autosomal recessive nonsyndromic hearing loss 4. Last evaluated: 2021-09-05. Review status: criteria provided, single submitter. Criteria: ACMG Guidelines, 2015. Collection method: clinical testing. Allele origin: germline. Affected: no.

Genome-Nilou Lab
Classification: Likely benign for Pendred syndrome. Last evaluated: 2021-09-05. Review status: criteria provided, single submitter. Criteria: ACMG Guidelines, 2015. Collection method: clinical testing. Allele origin: germline. Affected: no.

GeneDx
Classification: Likely benign. Last evaluated: 2020-06-29. Review status: criteria provided, single submitter. Criteria: GeneDx Variant Classification Process June 2021. Collection method: clinical testing. Allele origin: germline. Affected: yes.
Comment: Observed heterozygous in unrelated patients with hearing loss in published literature (Landa et al., 2013; Chen et al., 2011); This variant is associated with the following publications: (PMID: 30245029, 21704276, 23965030)

Mendelics
Classification: Benign for Pendred syndrome. Last evaluated: 2019-05-28. Review status: criteria provided, single submitter. Criteria: Mendelics Assertion Criteria 2017. Collection method: clinical testing. Allele origin: unknown.

Eurofins Ntd Llc (ga)
Classification: Likely benign. Last evaluated: 2015-08-25. Review status: criteria provided, single submitter. Criteria: EGL Classification Definitions 2015. Collection method: clinical testing. Allele origin: germline. Observed: 1 variant allele, 1 heterozygote.

Laboratory for Molecular Medicine, Mass General Brigham Personalized Medicine
Classification: Likely benign. Last evaluated: 2012-05-04. Review status: criteria provided, single submitter. Criteria: LMM Criteria. Collection method: clinical testing. Allele origin: germline. Observed: 2 variant alleles.
Comment: Gln730His in exon 19 of SLC26A4: This variant is not expected to have clinical s ignificance because it is has been identified in 0.3% (11/3738) of African Ameri can chromosomes from a broad population by the NHLBI Exome sequencing project (dbSNP rs142723249).

Natera, Inc.
Classification: Likely benign for Pendred syndrome. Last evaluated: 2020-01-11. Review status: no assertion criteria provided. Collection method: clinical testing. Allele origin: germline. Not counted in ClinVar's aggregate classification.

Counsyl
Classification: Uncertain significance for Pendred syndrome. Last evaluated: 2017-12-07. Review status: no assertion criteria provided. Collection method: clinical testing. Allele origin: unknown. Not counted in ClinVar's aggregate classification.

Literature cited by the submitters: PubMed 23965030 (cited by Women's Health and Genetics/Laboratory Corporation of America, LabCorp and Counsyl); PubMed 21704276 (cited by Counsyl).